The following is an entry in ClinVar:

ClinVar aggregate classification (germline): Uncertain significance. Review status: criteria provided, multiple submitters, no conflicts (2 of 4 stars). 2 submissions from 2 submitters: Uncertain significance (2). Last evaluated 2023-08-22.

Conditions:
Hereditary cancer-predisposing syndrome. Also called: Neoplastic Syndromes, Hereditary; Tumor predisposition; Hereditary Cancer Syndrome; Hereditary neoplastic syndrome. Identifiers: Orphanet 140162, MedGen C0027672, MeSH D009386, MONDO:0015356.
Familial cancer of breast. Also called: BREAST CANCER, FAMILIAL; hereditary breast carcinoma; Hereditary breast cancer. Identifiers: Orphanet 227535, MedGen C0346153, MONDO:0016419, OMIM 114480. Disease mechanism: loss of function.

Submissions (2):

Labcorp Genetics (formerly Invitae), Labcorp
Classification: Uncertain significance for Familial cancer of breast. Last evaluated: 2023-08-22. Review status: criteria provided, single submitter. Criteria: Invitae Variant Classification Sherloc (09022015). Collection method: clinical testing. Allele origin: germline.
Comment: This variant has not been reported in the literature in individuals affected with PALB2-related conditions. ClinVar contains an entry for this variant (Variation ID: 233104). Experimental studies and prediction algorithms are not available or were not evaluated, and the functional significance of this variant is currently unknown. In summary, the available evidence is currently insufficient to determine the role of this variant in disease. Therefore, it has been classified as a Variant of Uncertain Significance. This variant is not present in population databases (gnomAD no frequency). This variant, c.160_162del, results in the deletion of 1 amino acid(s) of the PALB2 protein (p.Glu54del), but otherwise preserves the integrity of the reading frame.

Ambry Genetics
Classification: Uncertain significance for Hereditary cancer-predisposing syndrome. Last evaluated: 2017-02-10. Review status: criteria provided, single submitter. Criteria: Ambry Variant Classification Scheme 2023. Collection method: clinical testing. Allele origin: germline.
Comment: The c.160_162delGAA variant (also known as p.E54del) is located in coding exon 3 of the PALB2 gene. This variant results from an in-frame GAA deletion at nucleotide positions 160 to 162. This results in the in-frame deletion of a glutamic acid at codon 54. The deleted amino acid is not well conserved in available vertebrate species. Since supporting evidence is limited at this time, the clinical significance of this alteration remains unclear.

NM_024675.4(PALB2):c.157GAA[1] (p.Glu54del)

Gene: PALB2 (partner and localizer of BRCA2; minus strand). Cytogenetic location: 16p12.2.
Variant type: Microsatellite.
Coding change: c.157GAA[1] on transcript NM_024675.4 (MANE Select); one copy of the 3-base unit GAA starting at c.157; the reference has two copies in a row; one copy, 3 bases deleted.
Protein change: p.Glu54del; deletes glutamic acid 54.
Molecular consequence: inframe deletion.
Genome position (GRCh38, 1-based): chr16:23,637,899-23,637,901, TTC deleted on the plus strand (GAA on the coding strand, the reverse complement: PALB2 is on the minus strand); deleting any 3 consecutive bases within chr16:23,637,899-23,637,905 gives the same sequence; the position shown is the placement nearest the transcript's 3' end. VCF-style (leftmost placement, unchanged base first): chr16-23637898-GTTC-G. GRCh37 (hg19) VCF-style: chr16-23649219-GTTC-G.
Other names: c.160_162delGAA (NM_024675.3); short protein forms E54del.
Identifiers: ClinVar variation 233104 (VCV000233104.15), dbSNP rs876660197, ClinGen allele CA10580050.
Genomic context (GRCh38, chr16:23,637,898, plus strand): 5'-GTCTAGATTTACCTGAGTGTTTTAGCTGCGGTGAGAGATCCTGCTGAGACAAACAATCTT[GTTC>G]TTCTACTGTTTTCTTAATAGAATGCTTAATCTTTTCAGCTCTTTGGGCACGCTAGAGGAG-3'